The following is an entry in ClinVar:

ClinVar aggregate classification (germline): Conflicting classifications of pathogenicity. Review status: criteria provided, conflicting classifications (1 of 4 stars). 6 submissions from 6 submitters: Uncertain significance (4); Likely benign (2). Last evaluated 2025-12-02.

Conditions:
Dilated cardiomyopathy 1G (CMD1G). Identifiers: Orphanet 154, MedGen C1858763, MONDO:0011400, OMIM 604145.
Autosomal recessive limb-girdle muscular dystrophy type 2J (LGMDR10). Also called: Limb-girdle muscular dystrophy, type 2J; MUSCULAR DYSTROPHY, LIMB-GIRDLE, AUTOSOMAL RECESSIVE 10. Identifiers: Orphanet 140922, MedGen C1837342, MONDO:0012127, OMIM 608807.
Cardiomyopathy (CMYO). Also called: Cardiomyopathies. Identifiers: Orphanet 167848, MedGen C0878544, MONDO:0004994, HP:0001638. Inheritance: Various modes of inheritance.

Allele frequency attached by ClinVar (database versions not stated): gnomAD 0.00002 and 0.00005; TOPMed 0.00003; gnomAD exomes 0.00006 and 0.00017; ExAC 0.00017; 1000 Genomes Project 30x 0.00031.
gnomAD v4.1: 95 of 1,613,270 alleles (0.0059%); highest among the groups gnomAD compares: South Asian, 0.074%; 1 homozygote.

Submissions (6):

Labcorp Genetics (formerly Invitae), Labcorp
Classification: Likely benign for Dilated cardiomyopathy 1G; Autosomal recessive limb-girdle muscular dystrophy type 2J. Last evaluated: 2025-12-02. Review status: criteria provided, single submitter. Criteria: Invitae Variant Classification Sherloc (09022015). Collection method: clinical testing. Allele origin: germline.

Revvity Omics, Revvity
Classification: Uncertain significance. Last evaluated: 2025-06-10. Review status: criteria provided, single submitter. Criteria: ACMG Guidelines, 2015. Collection method: clinical testing. Allele origin: germline.

Women's Health and Genetics/Laboratory Corporation of America, LabCorp
Classification: Likely benign. Last evaluated: 2024-12-13. Review status: criteria provided, single submitter. Criteria: LabCorp Variant Classification Summary - May 2015. Collection method: clinical testing. Allele origin: germline.
Comment: Variant summary: TTN c.58682G>A (p.Arg19561His) results in a non-conservative amino acid change in the encoded protein sequence. Four of four in-silico tools predict a damaging effect of the variant on protein function. The variant allele was found at a frequency of 0.00017 in 248482 control chromosomes, predominantly at a frequency of 0.0011 within the South Asian subpopulation in the gnomAD database. The observed variant frequency within South Asian control individuals in the gnomAD database is approximately 2.82 fold of the estimated maximal expected allele frequency for a pathogenic variant in TTN causing Dilated Cardiomyopathy phenotype (0.00039). To our knowledge, no occurrence of c.58682G>A in individuals affected with TTN-related conditions and no experimental evidence demonstrating its impact on protein function have been reported. ClinVar contains an entry for this variant (Variation ID: 191917). Based on the evidence outlined above, the variant was classified as likely benign.

CHEO Genetics Diagnostic Laboratory, Children's Hospital of Eastern Ontario
Classification: Uncertain significance for Cardiomyopathy. Last evaluated: 2023-03-24. Review status: criteria provided, single submitter. Criteria: ACMG Guidelines, 2015. Collection method: clinical testing. Allele origin: germline. Study: Canadian Open Genetics Repository.

Eurofins Ntd Llc (ga)
Classification: Uncertain significance. Last evaluated: 2014-06-20. Review status: criteria provided, single submitter. Criteria: EGL Classification Definitions 2015. Collection method: clinical testing. Allele origin: germline. Observed: 1 variant allele, 1 heterozygote.

Biesecker Lab/Clinical Genomics Section, National Institutes of Health
Classification: Uncertain significance. Last evaluated: 2013-06-24. Review status: criteria provided, single submitter. Criteria: Ng et al. (Circ Cardiovasc Genet. 2013). Collection method: research. Allele origin: unknown. Observed: 1 variant allele. Study: ClinSeq.
Comment: The study set was not selected for affection status in relation to any cancer. Pathogenicity categories were based on literature curation. See Pubmed ID:23861362 for details.

Medical sequencing

NM_001267550.2(TTN):c.66386G>A (p.Arg22129His)

Genes: TTN (titin; minus strand), TTN-AS1 (TTN antisense RNA 1; plus strand). Cytogenetic location: 2q31.2.
Variant type: single nucleotide variant.
Coding change: c.66386G>A on transcript NM_001267550.2 (MANE Select); coding-DNA position 66386, G replaced by A.
Protein change: p.Arg22129His; replaces arginine 22129 with histidine.
Molecular consequence: missense variant.
Genome position (GRCh38, 1-based): chr2:178,581,983, C>T on the plus strand (G>A on the coding strand, the complement: TTN is on the minus strand). VCF-style: chr2-178581983-C-T. GRCh37 (hg19) VCF-style: chr2-179446710-C-T.
Other names: c.61463G>A, p.Arg20488His (NM_001256850.1); c.39191G>A, p.Arg13064His (NM_003319.4); c.58682G>A, p.Arg19561His (NM_133378.4); c.39566G>A, p.Arg13189His (NM_133432.3); c.39767G>A, p.Arg13256His (NM_133437.4); short protein forms R19561H, R22129H, R20488H, R13064H, R13189H, R13256H.
Identifiers: ClinVar variation 191917 (VCV000191917.24), dbSNP rs187257105, ClinGen allele CA237864.